The following is an entry in ClinVar:

ClinVar aggregate classification (germline): Pathogenic (1 of 4 stars; one submission).

Conditions:
Primary ciliary dyskinesia 3. Identifiers: Orphanet 244, MedGen C1837618, MONDO:0012085, OMIM 608644.

gnomAD v4.1: 1 of 1,613,934 alleles (0.000062%); highest among the groups gnomAD compares: East Asian, 0.0022%; no homozygotes.

Submission:

Genos
Classification: Pathogenic for Primary ciliary dyskinesia 3. Last evaluated: 2026-03-31. Review status: criteria provided, single submitter. Criteria: ACMG Guidelines, 2015. Collection method: clinical testing. Allele origin: paternal. Inheritance: Autosomal recessive inheritance. Affected: yes.
Comment: The c.6139C>T, p.(Gln2047Ter) is a nonsense variant resulting in a premature termination codon. Due to its location, the variant is predicted to lead to nonsense-mediated mRNA decay (NMD). The variant is present at a frequency of 0.0000006196 (1/1,613,934 alleles) in the gnomAD v4.1 population database and has not been observed in the homozygous state. According to ACMG recommendations, the variant was classified as pathogenic

NM_001369.3(DNAH5):c.6139C>T (p.Gln2047Ter)

Gene: DNAH5 (dynein axonemal heavy chain 5; minus strand). Cytogenetic location: 5p15.2.
Variant type: single nucleotide variant.
Coding change: c.6139C>T on transcript NM_001369.3 (MANE Select); coding-DNA position 6139, C replaced by T.
Protein change: p.Gln2047Ter; replaces glutamine 2047 with a stop codon.
Molecular consequence: nonsense.
Genome position (GRCh38, 1-based): chr5:13,830,136, G>A on the plus strand (C>T on the coding strand, the complement: DNAH5 is on the minus strand). VCF-style: chr5-13830136-G-A. GRCh37 (hg19) VCF-style: chr5-13830245-G-A.
Other names: short protein forms Q2047*.
Identifiers: ClinVar variation 4820345 (VCV004820345.1).